The following is an entry in ClinVar:

NM_001844.5(COL2A1):c.3077G>A (p.Gly1026Asp)

Gene: COL2A1 (collagen type II alpha 1 chain; minus strand). Cytogenetic location: 12q13.11.
Variant type: single nucleotide variant.
Coding change: c.3077G>A on transcript NM_001844.5 (MANE Select); coding-DNA position 3077, G replaced by A.
Protein change: p.Gly1026Asp; replaces glycine 1026 with aspartic acid.
Molecular consequence: missense variant.
Genome position (GRCh38, 1-based): chr12:47,978,044, C>T on the plus strand (G>A on the coding strand, the complement: COL2A1 is on the minus strand). VCF-style: chr12-47978044-C-T. GRCh37 (hg19) VCF-style: chr12-48371827-C-T.
Other names: c.2870G>A, p.Gly957Asp (NM_033150.3); short protein forms G1026D, G957D.
Identifiers: ClinVar variation 2687876 (VCV002687876.1), dbSNP rs1555165336, ClinGen allele CA384540693.

ClinVar aggregate classification (germline): Pathogenic (1 of 4 stars; one submission).

Conditions:
Achondrogenesis type II (ACG2). Also called: ACHONDROGENESIS, LANGER-SALDINO TYPE; CHONDROGENESIS IMPERFECTA. Identifiers: Orphanet 932, Orphanet 93296, MedGen C0220685, MONDO:0008702, OMIM 200610.

Submission:

Clinical Genetics and Genomics, Karolinska University Hospital
Classification: Pathogenic for Achondrogenesis type II. Last evaluated: 2024-01-18. Review status: criteria provided, single submitter. Criteria: ACMG Guidelines, 2015. Collection method: clinical testing. Allele origin: de novo. Inheritance: Autosomal dominant inheritance. Affected: yes.